The following is an entry in ClinVar:

ClinVar aggregate classification (germline): Uncertain significance (1 of 4 stars; one submission).

gnomAD v4.1: 19 of 1,613,950 alleles (0.0012%); highest among the groups gnomAD compares: Non-Finnish European, 0.0016%; no homozygotes.

Submission:

GeneDx
Classification: Uncertain significance. Last evaluated: 2023-10-31. Review status: criteria provided, single submitter. Criteria: GeneDx Variant Classification Process June 2021. Collection method: clinical testing. Allele origin: germline. Affected: yes.
Comment: Not observed at significant frequency in large population cohorts (gnomAD); In silico analysis supports that this missense variant does not alter protein structure/function; Has not been previously published as pathogenic or benign to our knowledge

NM_016343.4(CENPF):c.7665C>G (p.Asn2555Lys)

Gene: CENPF (centromere protein F; plus strand). Cytogenetic location: 1q41.
Variant type: single nucleotide variant.
Coding change: c.7665C>G on transcript NM_016343.4 (MANE Select); coding-DNA position 7665, C replaced by G.
Protein change: p.Asn2555Lys; replaces asparagine 2555 with lysine.
Molecular consequence: missense variant.
Genome position (GRCh38, 1-based): chr1:214,647,235, C>G. VCF-style: chr1-214647235-C-G. GRCh37 (hg19) VCF-style: chr1-214820578-C-G.
Other names: short protein forms N2555K.
Identifiers: ClinVar variation 3342416 (VCV003342416.1).
Genomic context (GRCh38, chr1:214,647,235, plus strand): 5'-GCAGCTTGTCTCTAAACTGTCCCAGGTGGAAGGAGAGCACCAACTTTGGAAGGAGCAAAA[C>G]TTAGAACTGAGAAATCTGACAGTGGAATTGGAGCAGAAGATCCAAGTGCTACAATCCAAA-3'
Protein context (NP_057427.3, residues 2545-2565): EGEHQLWKEQ[Asn2555Lys]LELRNLTVEL